The following is an entry in ClinVar:

NM_000141.5(FGFR2):c.1058A>T (p.His353Leu)

Gene: FGFR2 (fibroblast growth factor receptor 2; minus strand). Cytogenetic location: 10q26.13.
Variant type: single nucleotide variant.
Coding change: c.1058A>T on transcript NM_000141.5 (MANE Select); coding-DNA position 1058, A replaced by T.
Protein change: p.His353Leu; replaces histidine 353 with leucine.
Molecular consequence: missense variant. On other transcripts: non-coding transcript variant (1), intron variant (5).
Genome position (GRCh38, 1-based): chr10:121,517,345, T>A on the plus strand (A>T on the coding strand, the complement: FGFR2 is on the minus strand). VCF-style: chr10-121517345-T-A. GRCh37 (hg19) VCF-style: chr10-123276859-T-A.
Other names: c.791A>T, p.His264Leu (NM_001144915.2, NM_023029.3); c.713A>T, p.His238Leu (NM_001144916.2, NM_001144918.2); c.374A>T, p.His125Leu (NM_001320654.2); c.1058A>T, p.His353Leu (NM_001320658.2); c.749-2026A>T (NM_001144914.1); c.939+2634A>T (NM_001144917.2); c.1087+1337A>T (NM_022970.4, NM_001144913.1); c.820+1337A>T (NM_001144919.2); short protein forms H353L, H238L, H125L, H264L.
Identifiers: ClinVar variation 2849960 (VCV002849960.3), dbSNP rs1354809777, ClinGen allele CA378327688.

ClinVar aggregate classification (germline): Uncertain significance (1 of 4 stars; one submission).

Conditions:
FGFR2-related craniosynostosis. Identifiers: MedGen CN231480.

Submission:

Labcorp Genetics (formerly Invitae), Labcorp
Classification: Uncertain significance for FGFR2-related craniosynostosis. Last evaluated: 2023-03-27. Review status: criteria provided, single submitter. Criteria: Invitae Variant Classification Sherloc (09022015). Collection method: clinical testing. Allele origin: germline.
Comment: Advanced modeling of protein sequence and biophysical properties (such as structural, functional, and spatial information, amino acid conservation, physicochemical variation, residue mobility, and thermodynamic stability) performed at Invitae indicates that this missense variant is expected to disrupt FGFR2 protein function. In summary, the available evidence is currently insufficient to determine the role of this variant in disease. Therefore, it has been classified as a Variant of Uncertain Significance. This variant has not been reported in the literature in individuals affected with FGFR2-related conditions. This variant is not present in population databases (gnomAD no frequency). This sequence change replaces histidine, which is basic and polar, with leucine, which is neutral and non-polar, at codon 353 of the FGFR2 protein (p.His353Leu).